The following is an entry in ClinVar:

NM_003742.4(ABCB11):c.2520G>T (p.Leu840=)

Gene: ABCB11 (ATP binding cassette subfamily B member 11; minus strand). Cytogenetic location: 2q31.1.
Variant type: single nucleotide variant.
Coding change: c.2520G>T on transcript NM_003742.4 (MANE Select); coding-DNA position 2520, G replaced by T.
Protein change: p.Leu840=; no amino-acid change (leucine 840 retained).
Molecular consequence: synonymous variant.
Genome position (GRCh38, 1-based): chr2:168,944,695, C>A on the plus strand (G>T on the coding strand, the complement: ABCB11 is on the minus strand). VCF-style: chr2-168944695-C-A. GRCh37 (hg19) VCF-style: chr2-169801205-C-A.
Other names: c.2520G>T (NM_003742.2).
Identifiers: ClinVar variation 1135722 (VCV001135722.11), dbSNP rs369231927, ClinGen allele CA1951257.
Genomic context (GRCh38, chr2:168,944,695, plus strand): 5'-TCTTGTTGTCAATGCTCCAGGGCTATTTCTGAGGTCATCAAACCAGGCAATATCTTGCCC[C>A]AGCATTGCCCTGAAACCAAATTTACGTAGCCTTTTTGTTAGGAGCTCCCCAGATTTAGCA-3'
Protein context (NP_003733.2, residues 830-850): RLRKFGFRAM[Leu840=]GQDIAWFDDL

ClinVar aggregate classification (germline): Likely benign. Review status: criteria provided, single submitter (1 of 4 stars). 2 submissions from 2 submitters: Likely benign (1). 1 of the submissions does not count toward it. Last evaluated 2023-12-19.

Conditions:
ABCB11-related disorder. Also called: ABCB11-related condition.

Allele frequency attached by ClinVar (database versions not stated): gnomAD exomes 0.00001 and 0.00004; ExAC 0.00004; gnomAD 0.00009; 1000 Genomes Project 30x 0.00016; ESP Exome Variant Server 0.00017; 1000 Genomes Project 0.00020.
gnomAD v4.1: 27 of 1,612,880 alleles (0.0017%); highest among the groups gnomAD compares: African/African-American, 0.033%; no homozygotes.

Submissions (2):

Labcorp Genetics (formerly Invitae), Labcorp
Classification: Likely benign. Last evaluated: 2023-12-19. Review status: criteria provided, single submitter. Criteria: Invitae Variant Classification Sherloc (09022015). Collection method: clinical testing. Allele origin: germline.

PreventionGenetics, part of Exact Sciences
Classification: Likely benign for ABCB11-related condition. Last evaluated: 2019-02-18. Review status: no assertion criteria provided. Collection method: clinical testing. Allele origin: germline. Not counted in ClinVar's aggregate classification.
Comment: This variant is classified as likely benign based on ACMG/AMP sequence variant interpretation guidelines (Richards et al. 2015 PMID: 25741868, with internal and published modifications).